The following is an entry in ClinVar:

ClinVar aggregate classification (germline): Likely benign (1 of 4 stars; one submission).

Conditions:
PLXNA4-related disorder. Also called: PLXNA4-related condition.

Submission:

PreventionGenetics, part of Exact Sciences
Classification: Likely benign for PLXNA4-related condition. Last evaluated: 2025-03-26. Review status: criteria provided, single submitter. Criteria: ACMG Guidelines, 2015. Collection method: clinical testing. Allele origin: germline.
Comment: This variant is classified as likely benign based on ACMG/AMP sequence variant interpretation guidelines (Richards et al. 2015 PMID: 25741868, with internal and published modifications).

NM_020911.2(PLXNA4):c.5611_5613delinsAAC (p.Asp1871Asn)

Gene: PLXNA4 (plexin A4; minus strand). Cytogenetic location: 7q32.3.
Variant type: Indel.
Coding change: c.5611_5613delinsAAC on transcript NM_020911.2 (MANE Select); coding-DNA positions 5611 to 5613, GAT replaced by AAC.
Protein change: p.Asp1871Asn; replaces aspartic acid 1871 with asparagine.
Molecular consequence: missense variant.
Genome position (GRCh38, 1-based): chr7:132,130,551-132,130,553, ATC replaced by GTT on the plus strand (GAT replaced by AAC on the coding strand, the reverse complement: PLXNA4 is on the minus strand). VCF-style: chr7-132130551-ATC-GTT. GRCh37 (hg19) VCF-style: chr7-131815310-ATC-GTT.
Other names: c.5611_5613delinsAAC, p.Asp1871Asn (NM_001393897.1); short protein forms D1871N.
Identifiers: ClinVar variation 4989764 (VCV004989764.1).